The following is an entry in ClinVar:

NM_006231.4(POLE):c.2476T>G (p.Trp826Gly)

Gene: POLE (DNA polymerase epsilon, catalytic subunit; minus strand). Cytogenetic location: 12q24.33.
Variant type: single nucleotide variant.
Coding change: c.2476T>G on transcript NM_006231.4 (MANE Select); coding-DNA position 2476, T replaced by G.
Protein change: p.Trp826Gly; replaces tryptophan 826 with glycine.
Molecular consequence: missense variant.
Genome position (GRCh38, 1-based): chr12:132,664,455, A>C on the plus strand (T>G on the coding strand, the complement: POLE is on the minus strand). VCF-style: chr12-132664455-A-C. GRCh37 (hg19) VCF-style: chr12-133241041-A-C.
Other names: short protein forms W826G.
Identifiers: ClinVar variation 3422150 (VCV003422150.1).

ClinVar aggregate classification (germline): Uncertain significance (1 of 4 stars; one submission).

Conditions:
Hereditary cancer-predisposing syndrome. Also called: Neoplastic Syndromes, Hereditary; Tumor predisposition; Hereditary Cancer Syndrome; Hereditary neoplastic syndrome. Identifiers: Orphanet 140162, MedGen C0027672, MeSH D009386, MONDO:0015356.

Submission:

Ambry Genetics
Classification: Uncertain significance for Hereditary cancer-predisposing syndrome. Last evaluated: 2024-09-06. Review status: criteria provided, single submitter. Criteria: Ambry Variant Classification Scheme 2023. Collection method: clinical testing. Allele origin: germline.
Comment: The p.W826G variant (also known as c.2476T>G), located in coding exon 22 of the POLE gene, results from a T to G substitution at nucleotide position 2476. The tryptophan at codon 826 is replaced by glycine, an amino acid with highly dissimilar properties. This amino acid position is conserved. In addition, this alteration is predicted to be deleterious by in silico analysis. Based on the available evidence, the clinical significance of this variant remains unclear.